The following is an entry in ClinVar:

ClinVar aggregate classification (germline): Pathogenic/Likely pathogenic. Review status: criteria provided, multiple submitters, no conflicts (2 of 4 stars). 7 submissions from 7 submitters: Pathogenic (4); Likely pathogenic (3). Last evaluated 2026-08-07.

Conditions:
Adult hypophosphatasia. Identifiers: Orphanet 247676, Orphanet 436, MedGen C0268413, MONDO:1010154, OMIM 146300, MONDO:0007798.
Childhood hypophosphatasia. Identifiers: Orphanet 247667, Orphanet 436, MedGen C0220743, MONDO:1010168, OMIM 241510, MONDO:0009428.
Infantile hypophosphatasia. Identifiers: Orphanet 247651, Orphanet 436, MedGen C0268412, MONDO:1010169, OMIM 241500, MONDO:0009427.
Hypophosphatasia. Also called: Phosphoethanol-aminuria. Identifiers: Orphanet 436, MedGen C0020630, MeSH D007014, MONDO:0018570.

Allele frequency attached by ClinVar (database versions not stated): gnomAD exomes below 0.00001; TOPMed below 0.00001; gnomAD 0.00001.
gnomAD v4.1: 6 of 1,612,934 alleles (0.00037%); highest among the groups gnomAD compares: Admixed American, 0.0017%; no homozygotes.

Submissions (7):

Myriad Genetics, Inc.
Classification: Likely pathogenic for Hypophosphatasia. Last evaluated: 2026-08-07. Review status: criteria provided, single submitter. Criteria: Myriad Autosomal Dominant, Autosomal Recessive and X-Linked Classification Criteria (2023). Collection method: clinical testing. Allele origin: unknown.
Comment: NM_000478.4(ALPL):c.1354G>A(E452K) is a missense variant classified as likely pathogenic in the context of hypophosphatasia. Please note that E452Kis associated with autosomal dominant hypophosphatasia. The reproductive risk may be as high as 50%. E452K has been observed in cases with relevant disease (PMID: 32160374, 19500388, 38884565). Relevant functional assessments of this variant are available in the literature (PMID: 32160374, 19500388). E452K has not been observed in referenced population frequency databases. In summary, NM_000478.4(ALPL):c.1354G>A(E452K) is a missense variant that has functional support for pathogenicity and has been observed more frequently in cases with the relevant disease than in healthy populations. Please note: this variant was assessed in the context of healthy population screening.

GeneDx
Classification: Pathogenic. Last evaluated: 2026-02-03. Review status: criteria provided, single submitter. Criteria: GeneDx Variant Classification Process June 2021. Collection method: clinical testing. Allele origin: germline.
Comment: Published functional studies demonstrate a dominant negative effect (PMID: 19500388); Not observed at significant frequency in large population cohorts (gnomAD); In silico analysis supports that this missense variant has a deleterious effect on protein structure/function; Observed with a second variant in unrelated patients in published literature, but it is not known whether the variants occurred on the same (in cis) or on different (in trans) alleles (PMID: 32160374, 29774402); Also known as p.E435K; This variant is associated with the following publications: (PMID: 12815606, 19500388, 32160374, 29774402, 39925621, 38702915, 38884565, 39983296, 29236161, 25731960, 18818947)

Labcorp Genetics (formerly Invitae), Labcorp
Classification: Pathogenic. Last evaluated: 2025-12-24. Review status: criteria provided, single submitter. Criteria: Invitae Variant Classification Sherloc (09022015). Collection method: clinical testing. Allele origin: germline.
Comment: This sequence change replaces glutamic acid, which is acidic and polar, with lysine, which is basic and polar, at codon 452 of the ALPL protein (p.Glu452Lys). This variant is not present in population databases (gnomAD no frequency). This missense change has been observed in individuals with hypophosphatasia (PMID: 12815606, 19500388, 25731960, 29236161; internal data). ClinVar contains an entry for this variant (Variation ID: 1405036). Invitae Evidence Modeling of protein sequence and biophysical properties (such as structural, functional, and spatial information, amino acid conservation, physicochemical variation, residue mobility, and thermodynamic stability) indicates that this missense variant is expected to disrupt ALPL protein function with a positive predictive value of 95%. Experimental studies have shown that this missense change affects ALPL function (PMID: 19500388). For these reasons, this variant has been classified as Pathogenic.

Genomenon, Inc
Classification: Pathogenic for Hypophosphatasia. Last evaluated: 2025-08-29. Review status: criteria provided, single submitter. Criteria: Genomenon Sequence Variant Interpretation Standards. Collection method: curation. Allele origin: germline. Affected: yes.
Comment: ALPL c.1354G>A is a missense variant that changes the amino acid at residue 452 from Glutamic acid to Lysine. This variant has been observed in at least one proband affected with hypophosphatasia (PMID:29774402;25731960;29236161;19500388;18818947;12815606). The variant was found to segregate with disease in at least one affected family (PMID:18818947). At least one functional study has demonstrated a substantial alteration in protein function relative to the wild-type (PMID:19500388). It is absent or not present at a significant frequency in gnomAD. In silico models agree that this variant is possibly or probably damaging. In conclusion, we classify ALPL p.Glu452Lys (c.1354G>A) as a pathogenic variant.

Women's Health and Genetics/Laboratory Corporation of America, LabCorp
Classification: Pathogenic for Hypophosphatasia. Last evaluated: 2025-04-22. Review status: criteria provided, single submitter. Criteria: LabCorp Variant Classification Summary - May 2015. Collection method: clinical testing. Allele origin: germline.
Comment: Variant summary: ALPL c.1354G>A (p.Glu452Lys) results in a conservative amino acid change in the encoded protein sequence. Four of five in-silico tools predict a damaging effect of the variant on protein function. The variant was absent in 246068 control chromosomes. c.1354G>A has been reported in the literature as a compound heterozygous genotype in at-least three in individuals affected with Hypophosphatasia and also as a seemingly dominant variant segregating in one family with Hypophosphatasia (Del Angel_2020, Spentchian_2003, Seefried_2021, Moulin_2009, Mornet_2021, Invitae). These data indicate that the variant is likely to be associated with disease. At least one publication reports experimental evidence evaluating an impact on protein function (Del Angel_2020). The most pronounced variant effect results in <10% of normal tissue nonspecific alkaline phosphatase (TNSALP) activity. The following publications have been ascertained in the context of this evaluation (PMID: 32160374, 32973344, 18818947, 32987199, 12815606). ClinVar contains an entry for this variant (Variation ID: 1405036). Based on the evidence outlined above, the variant was classified as pathogenic.

Fulgent Genetics
Classification: Likely pathogenic for Adult hypophosphatasia; Infantile hypophosphatasia; Childhood hypophosphatasia. Last evaluated: 2024-05-23. Review status: criteria provided, single submitter. Criteria: ACMG Guidelines, 2015. Collection method: clinical testing. Allele origin: germline.

Baylor Genetics
Classification: Likely pathogenic for Adult hypophosphatasia. Last evaluated: 2023-11-27. Review status: criteria provided, single submitter. Criteria: ACMG Guidelines, 2015. Collection method: clinical testing. Allele origin: unknown.

Literature cited by the submitters: PubMed 19500388 (cited by 3 submitters); PubMed 32160374 (cited by Myriad Genetics, Inc. and Women's Health and Genetics/Laboratory Corporation of America, LabCorp); PubMed 38884565 (cited by Myriad Genetics, Inc.); PubMed 12815606 (cited by 3 submitters); PubMed 25731960 (cited by Labcorp Genetics (formerly Invitae), Labcorp and Genomenon, Inc); PubMed 29236161 (cited by Labcorp Genetics (formerly Invitae), Labcorp and Genomenon, Inc); PubMed 29774402 (cited by Genomenon, Inc); PubMed 18818947 (cited by Genomenon, Inc and Women's Health and Genetics/Laboratory Corporation of America, LabCorp); PubMed 32973344 (cited by Women's Health and Genetics/Laboratory Corporation of America, LabCorp); PubMed 32987199 (cited by Women's Health and Genetics/Laboratory Corporation of America, LabCorp).

NM_000478.6(ALPL):c.1354G>A (p.Glu452Lys)

Gene: ALPL (alkaline phosphatase, biomineralization associated; plus strand). Cytogenetic location: 1p36.12.
Variant type: single nucleotide variant.
Coding change: c.1354G>A on transcript NM_000478.6 (MANE Select); coding-DNA position 1354, G replaced by A.
Protein change: p.Glu452Lys; replaces glutamic acid 452 with lysine.
Molecular consequence: missense variant.
Genome position (GRCh38, 1-based): chr1:21,577,427, G>A. VCF-style: chr1-21577427-G-A. GRCh37 (hg19) VCF-style: chr1-21903920-G-A.
Other names: c.1354G>A (NM_000478.4); c.1189G>A, p.Glu397Lys (NM_001127501.4); c.1123G>A, p.Glu375Lys (NM_001177520.3); c.1354G>A, p.Glu452Lys (NM_001369803.2, NM_001369804.2, NM_001369805.2); short protein forms E397K, E375K, E452K.
Identifiers: ClinVar variation 1405036 (VCV001405036.16), dbSNP rs966212736, ClinGen allele CA19072025.